The following is an entry in ClinVar:

ClinVar aggregate classification (germline): Uncertain significance (1 of 4 stars; one submission).

Conditions:
Autosomal recessive osteopetrosis 2. Also called: OSTEOPETROSIS, MILD AUTOSOMAL RECESSIVE FORM. Identifiers: Orphanet 667, MedGen C1850126, MONDO:0009816, OMIM 259710.

gnomAD v4.1: 14 of 1,614,104 alleles (0.00087%); highest among the groups gnomAD compares: Admixed American, 0.0033%; no homozygotes.

Submission:

Neuberg Centre For Genomic Medicine, NCGM
Classification: Uncertain significance for Autosomal recessive osteopetrosis 2. Last evaluated: 2023-06-22. Review status: criteria provided, single submitter. Criteria: ACMG Guidelines, 2015. Collection method: clinical testing. Allele origin: germline. Inheritance: Autosomal recessive inheritance. Affected: yes.
Comment: The observed missense c.572G>A (p.Arg191Gln) variant in TNFSF11 gene has not been reported previously as a pathogenic variant nor as a benign variant, to our knowledge. The p.Arg191Gln variant is absent in gnomAD Exomes. This variant has not been submitted to the ClinVar database. Multiple lines of computational evidence (Polyphen - Probably Damaging, SIFT - Damaging and MutationTaster - Disease causing) predict a damaging effect on protein structure and function for this variant. The reference amino acid of p.Arg191Gln in TNFSF11 is predicted as conserved by GERP++ and PhyloP across 100 vertebrates. The amino acid Arg at position 191 is changed to a Gln changing protein sequence and it might alter its composition and physico-chemical properties. For these reasons, this variant has been classified as a Variant of Uncertain Significance (VUS).

NM_003701.4(TNFSF11):c.572G>A (p.Arg191Gln)

Gene: TNFSF11 (TNF superfamily member 11; plus strand). Cytogenetic location: 13q14.11.
Variant type: single nucleotide variant.
Coding change: c.572G>A on transcript NM_003701.4 (MANE Select); coding-DNA position 572, G replaced by A.
Protein change: p.Arg191Gln; replaces arginine 191 with glutamine.
Molecular consequence: missense variant.
Genome position (GRCh38, 1-based): chr13:42,606,536, G>A. VCF-style: chr13-42606536-G-A. GRCh37 (hg19) VCF-style: chr13-43180672-G-A.
Other names: c.353G>A, p.Arg118Gln (NM_033012.4); short protein forms R118Q, R191Q.
Identifiers: ClinVar variation 3377571 (VCV003377571.1).